The following is an entry in ClinVar:

ClinVar aggregate classification (germline): Benign. Review status: criteria provided, multiple submitters, no conflicts (2 of 4 stars). 2 submissions from 2 submitters: Benign (2). Last evaluated 2018-06-14.

Allele frequency attached by ClinVar (database versions not stated): gnomAD exomes 0.03276; 1000 Genomes Project 0.04213; 1000 Genomes Project 30x 0.04450; gnomAD 0.04655 and 0.04849; TOPMed 0.04728.
gnomAD v4.1: 44,840 of 1,300,928 alleles (3.4%); highest among the groups gnomAD compares: African/African-American, 9%; 983 homozygotes.

Submissions (2):

GeneDx
Classification: Benign. Last evaluated: 2018-06-14. Review status: criteria provided, single submitter. Criteria: GeneDx Variant Classification (06012015). Collection method: clinical testing. Allele origin: germline. Affected: yes.
Comment: This variant is considered likely benign or benign based on one or more of the following criteria: it is a conservative change, it occurs at a poorly conserved position in the protein, it is predicted to be benign by multiple in silico algorithms, and/or has population frequency not consistent with disease.

Breakthrough Genomics
Classification: Benign. Review status: criteria provided, single submitter. Criteria: ACMG Guidelines, 2015. Collection method: not provided. Allele origin: germline. Inheritance: Autosomal dominant inheritance. Affected: yes.

NM_000093.5(COL5A1):c.3474+64G>A

Gene: COL5A1 (collagen type V alpha 1 chain; plus strand). Cytogenetic location: 9q34.3.
Variant type: single nucleotide variant.
Coding change: c.3474+64G>A on transcript NM_000093.5 (MANE Select); 64 bases into the intron after coding-DNA position 3474, G replaced by A.
Molecular consequence: intron variant.
Genome position (GRCh38, 1-based): chr9:134,809,354, G>A. VCF-style: chr9-134809354-G-A. GRCh37 (hg19) VCF-style: chr9-137701200-G-A.
Other names: c.3474+64G>A (NM_001278074.1).
Identifiers: ClinVar variation 671046 (VCV000671046.2), dbSNP rs41310211, ClinGen allele CA13040920.
Genomic context (GRCh38, chr9:134,809,354, plus strand): 5'-AGGCAAATCCAGAGTGACCCATGGCTGGGCCTGGCTGGGCAGACGGGTGTGGGGGAGGGT[G>A]GTGAATTTAAAGGACAGGATGCTGGCAGGTAGAGCGGCTCAGCCAGCGGAGTGATGCCAC-3'